The following is an entry in ClinVar:

NM_201384.3(PLEC):c.13307C>G (p.Thr4436Ser)

Gene: PLEC (plectin; minus strand). Cytogenetic location: 8q24.3.
Variant type: single nucleotide variant.
Coding change: c.13307C>G on transcript NM_201384.3 (MANE Select); coding-DNA position 13307, C replaced by G.
Protein change: p.Thr4436Ser; replaces threonine 4436 with serine.
Molecular consequence: missense variant.
Genome position (GRCh38, 1-based): chr8:143,916,514, G>C on the plus strand (C>G on the coding strand, the complement: PLEC is on the minus strand). VCF-style: chr8-143916514-G-C. GRCh37 (hg19) VCF-style: chr8-144990682-G-C.
Other names: c.13388C>G (NM_000445.3); c.13388C>G, p.Thr4463Ser (NM_000445.5); c.13265C>G, p.Thr4422Ser (NM_201378.4); c.13241C>G, p.Thr4414Ser (NM_201379.3); c.13718C>G, p.Thr4573Ser (NM_201380.4); c.13211C>G, p.Thr4404Ser (NM_201381.3); c.13307C>G, p.Thr4436Ser (NM_201382.4); c.13319C>G, p.Thr4440Ser (NM_201383.3); short protein forms T4404S, T4414S, T4422S, T4436S, T4440S, T4463S, T4573S.
Identifiers: ClinVar variation 1015644 (VCV001015644.10), dbSNP rs1554669404, ClinGen allele CA372475679.

ClinVar aggregate classification (germline): Uncertain significance. Review status: criteria provided, multiple submitters, no conflicts (2 of 4 stars). 2 submissions from 2 submitters: Uncertain significance (2). Last evaluated 2025-08-26.

Conditions:
Inborn genetic diseases. Identifiers: MedGen C0950123, MeSH D030342.
Epidermolysis bullosa simplex 5B, with muscular dystrophy (EBS5B). Also called: EPIDERMOLYSIS BULLOSA SIMPLEX AND LIMB-GIRDLE MUSCULAR DYSTROPHY; Epidermolysis bullosa simplex with muscular dystrophy. Identifiers: Orphanet 257, MedGen C2931072, MONDO:0009181, OMIM 226670.
Epidermolysis bullosa simplex, Ogna type (EBS5A). Also called: EPIDERMOLYSIS BULLOSA SIMPLEX 5A, OGNA TYPE; Pidermolysis bullosa simplex 5A, Ogna type. Identifiers: Orphanet 79401, MedGen C0432317, MONDO:0007555, OMIM 131950.
Epidermolysis bullosa simplex 5C, with pyloric atresia (EBS5C). Also called: Epidermolysis bullosa simplex with pyloric atresia; PLEC-Related Epidermolysis Bullosa with Pyloric Atresia; PLEC1-Related Epidermolysis Bullosa with Pyloric Atresia. Identifiers: Orphanet 158684, MedGen C2677349, MONDO:0012807, OMIM 612138.
Autosomal recessive limb-girdle muscular dystrophy type 2Q (LGMDR17). Also called: MUSCULAR DYSTROPHY, LIMB-GIRDLE, AUTOSOMAL RECESSIVE 17. Identifiers: Orphanet 254361, MedGen C3150989, MONDO:0013390, OMIM 613723.
Epidermolysis bullosa simplex with nail dystrophy (EBS5D). Identifiers: MedGen C4225309, MONDO:0014661, OMIM 616487.

Allele frequency attached by ClinVar (database versions not stated): TOPMed 0.00002.
gnomAD v4.1: 6 of 1,611,826 alleles (0.00037%); highest among the groups gnomAD compares: Non-Finnish European, 0.00051%; no homozygotes.

Submissions (2):

Ambry Genetics
Classification: Uncertain significance for Inborn genetic diseases. Last evaluated: 2025-08-26. Review status: criteria provided, single submitter. Criteria: Ambry Variant Classification Scheme 2023. Collection method: clinical testing. Allele origin: germline.

Labcorp Genetics (formerly Invitae), Labcorp
Classification: Uncertain significance for Autosomal recessive limb-girdle muscular dystrophy type 2Q; Epidermolysis bullosa simplex, Ogna type; Epidermolysis bullosa simplex with nail dystrophy; Epidermolysis bullosa simplex 5C, with pyloric atresia; Epidermolysis bullosa simplex 5B, with muscular dystrophy. Last evaluated: 2023-12-09. Review status: criteria provided, single submitter. Criteria: Invitae Variant Classification Sherloc (09022015). Collection method: clinical testing. Allele origin: germline.
Comment: This sequence change replaces threonine, which is neutral and polar, with serine, which is neutral and polar, at codon 4463 of the PLEC protein (p.Thr4463Ser). This variant is not present in population databases (gnomAD no frequency). This variant has not been reported in the literature in individuals affected with PLEC-related conditions. ClinVar contains an entry for this variant (Variation ID: 1015644). Advanced modeling of protein sequence and biophysical properties (such as structural, functional, and spatial information, amino acid conservation, physicochemical variation, residue mobility, and thermodynamic stability) performed at Invitae indicates that this missense variant is not expected to disrupt PLEC protein function with a negative predictive value of 80%. In summary, the available evidence is currently insufficient to determine the role of this variant in disease. Therefore, it has been classified as a Variant of Uncertain Significance.